The following is an entry in ClinVar:

ClinVar aggregate classification (germline): Pathogenic (1 of 4 stars; one submission).

Conditions:
Autosomal recessive nonsyndromic hearing loss 77. Identifiers: Orphanet 90636, MedGen C2746083, MONDO:0013119, OMIM 613079.

Submission:

Institute of Rare Diseases, West China Hospital, Sichuan University
Classification: Pathogenic for Autosomal recessive nonsyndromic hearing loss 77. Last evaluated: 2025-01-09. Review status: criteria provided, single submitter. Criteria: ClinGen HL ACMG Specifications v1. Collection method: research. Allele origin: germline. Affected: yes.
Comment: PVS1;PM3;PM2_Supporting

NM_001384474.1(LOXHD1):c.86_90dup (p.Asp31fs)

Gene: LOXHD1 (lipoxygenase homology PLAT domains 1; minus strand). Cytogenetic location: 18q21.1.
Variant type: Duplication.
Coding change: c.86_90dup on transcript NM_001384474.1 (MANE Select); coding-DNA positions 86 to 90, 5 bases duplicated (AGGAC; older notation c.86_90dupAGGAC).
Protein change: p.Asp31fs; shifts the reading frame from aspartic acid 31.
Molecular consequence: frameshift variant.
Genome position (GRCh38, 1-based): chr18:46,656,944-46,656,948, GTCCT duplicated on the plus strand (AGGAC on the coding strand, the reverse complement: LOXHD1 is on the minus strand). VCF-style (leftmost placement, unchanged base first): chr18-46656943-C-CGTCCT. GRCh37 (hg19) VCF-style: chr18-44236906-C-CGTCCT.
Other names: c.86_90dup, p.Asp31fs (NM_144612.7); short protein forms D31fs.
Identifiers: ClinVar variation 3601213 (VCV003601213.1).
Genomic context (GRCh38, chr18:46,656,943, plus strand): 5'-CCGCAGGCTGGGACCCCGCACCTCTGGCCTTGTAGTACTCGTGTTCCAGCTCCCCCTCGT[C>CGTCCT]GTCCTCCGAGGCGTAGTTCAGCAGCTCCGCTTCGTACAGGGCCAGGAAGTCGATGTCCTT-3'